The following is an entry in ClinVar:

NM_001039706.3(CFAP69):c.2681T>G (p.Val894Gly)

Gene: CFAP69 (cilia and flagella associated protein 69; plus strand). Cytogenetic location: 7q21.13.
Variant type: single nucleotide variant.
Coding change: c.2681T>G on transcript NM_001039706.3 (MANE Select); coding-DNA position 2681, T replaced by G.
Protein change: p.Val894Gly; replaces valine 894 with glycine.
Molecular consequence: missense variant.
Genome position (GRCh38, 1-based): chr7:90,310,093, T>G. VCF-style: chr7-90310093-T-G. GRCh37 (hg19) VCF-style: chr7-89939407-T-G.
Other names: c.2627T>G, p.Val876Gly (NM_001160138.2); c.2483T>G, p.Val828Gly (NM_001363438.1); short protein forms V828G, V876G, V894G.
Identifiers: ClinVar variation 3055039 (VCV003055039.2), dbSNP rs199768856, ClinGen allele CA4333901.

ClinVar aggregate classification (germline): Likely benign (0 of 4 stars; one submission).

Conditions:
CFAP69-related disorder. Also called: CFAP69-related condition.

Allele frequency attached by ClinVar (database versions not stated): gnomAD exomes 0.00003; ExAC 0.00014; ESP Exome Variant Server 0.00033; 1000 Genomes Project 0.00040; TOPMed 0.00042; gnomAD 0.00046; 1000 Genomes Project 30x 0.00047.
gnomAD v4.1: 122 of 1,613,012 alleles (0.0076%); highest among the groups gnomAD compares: African/African-American, 0.15%; no homozygotes.

Submission:

PreventionGenetics, part of Exact Sciences
Classification: Likely benign for CFAP69-related condition. Last evaluated: 2023-02-09. Review status: no assertion criteria provided. Collection method: clinical testing. Allele origin: germline.
Comment: This variant is classified as likely benign based on ACMG/AMP sequence variant interpretation guidelines (Richards et al. 2015 PMID: 25741868, with internal and published modifications).